The following is an entry in ClinVar:

NC_000001.10:g.(?_1718770)_(2343941_?)del

Genes: CALML6 (calmodulin like 6; plus strand), CFAP74 (cilia and flagella associated protein 74; minus strand), FAAP20 (FA core complex associated protein 20; minus strand), GABRD (gamma-aminobutyric acid type A receptor subunit delta; plus strand), GNB1 (G protein subunit beta 1; minus strand) and 6 more. Cytogenetic location: 1p36.33-36.32.
Variant type: Deletion.
Identifiers: ClinVar variation 3247933 (VCV003247933.1).

ClinVar aggregate classification (germline): Pathogenic (1 of 4 stars; one submission).

Submission:

Labcorp Genetics (formerly Invitae), Labcorp
Classification: Pathogenic. Last evaluated: 2023-12-30. Review status: criteria provided, single submitter. Criteria: Invitae Variant Classification Sherloc (09022015). Collection method: clinical testing. Allele origin: unknown.
Comment: A gross deletion of the genomic region encompassing the full coding sequence of the GNB1 gene has been identified. Loss-of-function variants in GNB1 are known to be pathogenic (PMID: 25485910, 27108799, 28087732, 32918542). The boundaries of this event are unknown as they extend beyond the assayed region for this gene and therefore may encompass additional genes. This variant has not been reported in the literature in individuals affected with GNB1-related conditions. For these reasons, this variant has been classified as Pathogenic.

Literature cited by the submitters: PubMed 25485910; PubMed 27108799; PubMed 28087732; PubMed 32918542.